The following is an entry in ClinVar:

ClinVar aggregate classification (germline): Uncertain significance (1 of 4 stars; one submission).

Conditions:
Inborn genetic diseases. Identifiers: MedGen C0950123, MeSH D030342.

Submission:

Ambry Genetics
Classification: Uncertain significance for Inborn genetic diseases. Last evaluated: 2025-03-28. Review status: criteria provided, single submitter. Criteria: Ambry Variant Classification Scheme 2023. Collection method: clinical testing. Allele origin: germline.
Comment: The p.L1320I variant (also known as c.3958T>A), located in coding exon 27 of the ANKRD26 gene, results from a T to A substitution at nucleotide position 3958. The leucine at codon 1320 is replaced by isoleucine, an amino acid with highly similar properties. This amino acid position is conserved. In addition, this alteration is predicted to be tolerated by in silico analysis. Based on the available evidence, the clinical significance of this variant remains unclear.

NM_014915.3(ANKRD26):c.3958T>A (p.Leu1320Ile)

Gene: ANKRD26 (ankyrin repeat domain containing 26; minus strand). Cytogenetic location: 10p12.1.
Variant type: single nucleotide variant.
Coding change: c.3958T>A on transcript NM_014915.3 (MANE Select); coding-DNA position 3958, T replaced by A.
Protein change: p.Leu1320Ile; replaces leucine 1320 with isoleucine.
Molecular consequence: missense variant.
Genome position (GRCh38, 1-based): chr10:27,028,866, A>T on the plus strand (T>A on the coding strand, the complement: ANKRD26 is on the minus strand). VCF-style: chr10-27028866-A-T. GRCh37 (hg19) VCF-style: chr10-27317795-A-T.
Other names: c.3955T>A, p.Leu1319Ile (NM_001256053.2); short protein forms L1319I, L1320I.
Identifiers: ClinVar variation 3913378 (VCV003913378.1).
Genomic context (GRCh38, chr10:27,028,866, plus strand): 5'-AATAAAATTCCTTTTCAGTACGACAGAAATTAAGTGGCTGACTTACCAAATTTGCATTTA[A>T]CAGGTTTTTCTGAAGCTCCTCAATTTTGTCCATTTGCTTTTTGACTGTAACTTTTAACTT-3'
Protein context (NP_055730.2, residues 1310-1330): DKIEELQKNL[Leu1320Ile]NANLSEDEKE